The following is an entry in ClinVar:

NM_000143.4(FH):c.1237-9C>T

Gene: FH (fumarate hydratase; minus strand). Cytogenetic location: 1q43.
Variant type: single nucleotide variant.
Coding change: c.1237-9C>T on transcript NM_000143.4 (MANE Select); 9 bases into the intron before coding-DNA position 1237, C replaced by T.
Molecular consequence: intron variant.
Genome position (GRCh38, 1-based): chr1:241,500,599, G>A on the plus strand (C>T on the coding strand, the complement: FH is on the minus strand). VCF-style: chr1-241500599-G-A. GRCh37 (hg19) VCF-style: chr1-241663899-G-A.
Identifiers: ClinVar variation 413606 (VCV000413606.23), dbSNP rs767413280, ClinGen allele CA1478495.

ClinVar aggregate classification (germline): Likely benign. Review status: criteria provided, multiple submitters, no conflicts (2 of 4 stars). 6 submissions from 6 submitters: Likely benign (6). Last evaluated 2026-01-17.

Conditions:
FH-related disorder. Also called: FH-related disorders; FH-related condition.

Allele frequency attached by ClinVar (database versions not stated): gnomAD 0.00001; gnomAD exomes 0.00001 and 0.00004; ExAC 0.00005; TOPMed 0.00005.
gnomAD v4.1: 19 of 1,578,754 alleles (0.0012%); highest among the groups gnomAD compares: East Asian, 0.021%; no homozygotes.

Submissions (6):

Labcorp Genetics (formerly Invitae), Labcorp
Classification: Likely benign. Last evaluated: 2026-01-17. Review status: criteria provided, single submitter. Criteria: Invitae Variant Classification Sherloc (09022015). Collection method: clinical testing. Allele origin: germline.

PreventionGenetics, part of Exact Sciences
Classification: Likely benign for FH-related condition. Last evaluated: 2025-05-23. Review status: criteria provided, single submitter. Criteria: ACMG Guidelines, 2015. Collection method: clinical testing. Allele origin: germline.
Comment: This variant is classified as likely benign based on ACMG/AMP sequence variant interpretation guidelines (Richards et al. 2015 PMID: 25741868, with internal and published modifications).

Center for Genomic Medicine, Rigshospitalet, Copenhagen University Hospital
Classification: Likely benign. Last evaluated: 2025-03-04. Review status: criteria provided, single submitter. Criteria: ACMG Guidelines, 2015. Collection method: clinical testing. Allele origin: germline.

Women's Health and Genetics/Laboratory Corporation of America, LabCorp
Classification: Likely benign. Last evaluated: 2024-07-03. Review status: criteria provided, single submitter. Criteria: LabCorp Variant Classification Summary - May 2015. Collection method: clinical testing. Allele origin: germline.

Blueprint Genetics
Classification: Likely benign. Last evaluated: 2023-07-03. Review status: criteria provided, single submitter. Criteria: ACMG Guidelines, 2015. Collection method: clinical testing. Allele origin: germline.

GeneDx
Classification: Likely benign. Last evaluated: 2020-02-23. Review status: criteria provided, single submitter. Criteria: GeneDx Variant Classification Process June 2021. Collection method: clinical testing. Allele origin: germline. Affected: yes.
Comment: This variant is associated with the following publications: (PMID: 28552549)